The following is an entry in ClinVar:

ClinVar aggregate classification (germline): Conflicting classifications of pathogenicity. Review status: criteria provided, conflicting classifications (1 of 4 stars). 5 submissions from 5 submitters: Uncertain significance (2); Likely benign (3). Last evaluated 2026-03-05.

Conditions:
Cardiovascular phenotype. Identifiers: MedGen CN230736.
Distal myopathy with posterior leg and anterior hand involvement. Also called: WILLIAMS DISTAL MYOPATHY. Identifiers: Orphanet 63273, MedGen C3279722, MONDO:0013550, OMIM 614065.
Myofibrillar myopathy 5. Also called: Filaminopathy (type); FILAMINOPATHY, AUTOSOMAL DOMINANT. Identifiers: Orphanet 171445, MedGen C1836050, MONDO:0012289, OMIM 609524.
Hypertrophic cardiomyopathy 26. Also called: Cardiomyopathy, familial hypertrophic, 26. Identifiers: Orphanet 75249, MedGen C4310749, MONDO:0014883, OMIM 617047.

Allele frequency attached by ClinVar (database versions not stated): gnomAD 0.00001; TOPMed 0.00002; ESP Exome Variant Server 0.00008.
gnomAD v4.1: 41 of 1,612,912 alleles (0.0025%); highest among the groups gnomAD compares: South Asian, 0.011%; no homozygotes.

Submissions (5):

Women's Health and Genetics/Laboratory Corporation of America, LabCorp
Classification: Likely benign. Last evaluated: 2026-03-05. Review status: criteria provided, single submitter. Criteria: LabCorp Variant Classification Summary - May 2015. Collection method: clinical testing. Allele origin: germline.

Labcorp Genetics (formerly Invitae), Labcorp
Classification: Likely benign for Distal myopathy with posterior leg and anterior hand involvement; Myofibrillar myopathy 5; Hypertrophic cardiomyopathy 26. Last evaluated: 2026-02-03. Review status: criteria provided, single submitter. Criteria: Invitae Variant Classification Sherloc (09022015). Collection method: clinical testing. Allele origin: germline.

Blueprint Genetics
Classification: Likely benign. Last evaluated: 2024-08-22. Review status: criteria provided, single submitter. Criteria: ACMG Guidelines, 2015. Collection method: clinical testing. Allele origin: germline.

GeneDx
Classification: Uncertain significance. Last evaluated: 2023-10-11. Review status: criteria provided, single submitter. Criteria: GeneDx Variant Classification Process June 2021. Collection method: clinical testing. Allele origin: germline. Affected: yes.
Comment: In silico analysis supports that this missense variant has a deleterious effect on protein structure/function; Has not been previously published as pathogenic or benign to our knowledge

Ambry Genetics
Classification: Uncertain significance for Cardiovascular phenotype. Last evaluated: 2023-08-23. Review status: criteria provided, single submitter. Criteria: Ambry Variant Classification Scheme 2023. Collection method: clinical testing. Allele origin: germline.
Comment: The p.R437H variant (also known as c.1310G>A), located in coding exon 8 of the FLNC gene, results from a G to A substitution at nucleotide position 1310. The arginine at codon 437 is replaced by histidine, an amino acid with highly similar properties. This amino acid position is highly conserved in available vertebrate species. In addition, the in silico prediction for this alteration is inconclusive. Since supporting evidence is limited at this time, the clinical significance of this alteration remains unclear.

NM_001458.5(FLNC):c.1310G>A (p.Arg437His)

Gene: FLNC (filamin C; plus strand). Cytogenetic location: 7q32.1.
Variant type: single nucleotide variant.
Coding change: c.1310G>A on transcript NM_001458.5 (MANE Select); coding-DNA position 1310, G replaced by A.
Protein change: p.Arg437His; replaces arginine 437 with histidine.
Molecular consequence: missense variant.
Genome position (GRCh38, 1-based): chr7:128,838,702, G>A. VCF-style: chr7-128838702-G-A. GRCh37 (hg19) VCF-style: chr7-128478756-G-A.
Other names: c.1310G>A, p.Arg437His (NM_001127487.2); short protein forms R437H.
Identifiers: ClinVar variation 842230 (VCV000842230.16), dbSNP rs370138936, ClinGen allele CA4474300.
Genomic context (GRCh38, chr7:128,838,702, plus strand): 5'-CACAGGGCCGGCGGGACACAGTGGAGGTGGCCCTGGAGGACAAGGGTGACAGCACGTTCC[G>A]CTGCACATACAGACCTGCCATGGAGGGGCCACATACCGTGCATGTGGCCTTTGCGGGTGC-3'
Protein context (NP_001449.3, residues 427-447): ALEDKGDSTF[Arg437His]CTYRPAMEGP